The following is an entry in ClinVar:

NM_014946.4(SPAST):c.1053del (p.Lys351fs)

Gene: SPAST (spastin; plus strand). Cytogenetic location: 2p22.3.
Variant type: Deletion.
Coding change: c.1053del on transcript NM_014946.4 (MANE Select); coding-DNA position 1053, one base deleted (A; older notation c.1053delA).
Protein change: p.Lys351fs; shifts the reading frame from lysine 351.
Molecular consequence: frameshift variant.
Genome position (GRCh38, 1-based): chr2:32,116,167, A deleted; the last of 4 consecutive A bases (chr2:32,116,164-32,116,167); deleting any one gives the same sequence. VCF-style (leftmost placement, unchanged base first): chr2-32116163-CA-C. GRCh37 (hg19) VCF-style: chr2-32341232-CA-C.
Other names: c.1050del, p.Lys350fs (NM_001363823.2); c.954del, p.Lys318fs (NM_001363875.2); c.957del, p.Lys319fs (NM_001377959.1, NM_199436.2); short protein forms K318fs, K319fs, K350fs, K351fs.
Identifiers: ClinVar variation 1256239 (VCV001256239.1), dbSNP rs2148734539, ClinGen allele CA2499215900.

ClinVar aggregate classification (germline): Pathogenic (1 of 4 stars; one submission).

Submission:

Athena Diagnostics
Classification: Pathogenic. Last evaluated: 2021-01-21. Review status: criteria provided, single submitter. Criteria: Athena Diagnostics criteria. Collection method: clinical testing. Allele origin: unknown.
Comment: This variant is expected to result in the loss of a functional protein. This variant has not been reported in large, multi-ethnic general populations. This variant has been identified in at least one individual with clinical features associated with this gene.